The following is an entry in ClinVar:

ClinVar aggregate classification (germline): Uncertain significance (1 of 4 stars; one submission).

Conditions:
Fanconi anemia (FA). Also called: Fanconi's anemia. Identifiers: Orphanet 84, MedGen C0015625, MeSH D005199, MONDO:0019391.

Allele frequency attached by ClinVar (database versions not stated): gnomAD exomes below 0.00001 and 0.00001; TOPMed below 0.00001.
gnomAD v4.1: 1 of 1,613,046 alleles (0.000062%); highest among the groups gnomAD compares: East Asian, 0.0022%; no homozygotes.

Submission:

Labcorp Genetics (formerly Invitae), Labcorp
Classification: Uncertain significance for Fanconi anemia. Last evaluated: 2018-12-27. Review status: criteria provided, single submitter. Criteria: Invitae Variant Classification Sherloc (09022015). Collection method: clinical testing. Allele origin: germline.
Comment: In summary, the available evidence is currently insufficient to determine the role of this variant in disease. Therefore, it has been classified as a Variant of Uncertain Significance. Algorithms developed to predict the effect of missense changes on protein structure and function are either unavailable or do not agree on the potential impact of this missense change (SIFT: "Tolerated"; PolyPhen-2: "Possibly Damaging"; Align-GVGD: "Class C0"). This variant has not been reported in the literature in individuals with SLX4-related conditions. This variant is not present in population databases (ExAC no frequency). This sequence change replaces glutamic acid with glycine at codon 1729 of the SLX4 protein (p.Glu1729Gly). The glutamic acid residue is moderately conserved and there is a moderate physicochemical difference between glutamic acid and glycine.

NM_032444.4(SLX4):c.5186A>G (p.Glu1729Gly)

Gene: SLX4 (SLX4 structure-specific endonuclease subunit; minus strand). Cytogenetic location: 16p13.3.
Variant type: single nucleotide variant.
Coding change: c.5186A>G on transcript NM_032444.4 (MANE Select); coding-DNA position 5186, A replaced by G.
Protein change: p.Glu1729Gly; replaces glutamic acid 1729 with glycine.
Molecular consequence: missense variant.
Genome position (GRCh38, 1-based): chr16:3,582,661, T>C on the plus strand (A>G on the coding strand, the complement: SLX4 is on the minus strand). VCF-style: chr16-3582661-T-C. GRCh37 (hg19) VCF-style: chr16-3632662-T-C.
Other names: c.5186A>G (LRG_503t1); short protein forms E1729G.
Identifiers: ClinVar variation 651447 (VCV000651447.6), dbSNP rs1203040904, ClinGen allele CA394514035.